The following is an entry in ClinVar:

NM_006035.4(CDC42BPB):c.3273G>A (p.Gln1091=)

Gene: CDC42BPB (CDC42 binding protein kinase beta; minus strand). Cytogenetic location: 14q32.32.
Variant type: single nucleotide variant.
Coding change: c.3273G>A on transcript NM_006035.4 (MANE Select); coding-DNA position 3273, G replaced by A.
Protein change: p.Gln1091=; no amino-acid change (glutamine 1091 retained).
Molecular consequence: synonymous variant.
Genome position (GRCh38, 1-based): chr14:102,950,502, C>T on the plus strand (G>A on the coding strand, the complement: CDC42BPB is on the minus strand). VCF-style: chr14-102950502-C-T. GRCh37 (hg19) VCF-style: chr14-103416839-C-T.
Identifiers: ClinVar variation 786257 (VCV000786257.6), dbSNP rs34898410, ClinGen allele CA7360803.

ClinVar aggregate classification (germline): Benign. Review status: criteria provided, multiple submitters, no conflicts (2 of 4 stars). 3 submissions from 3 submitters: Benign (2). 1 of the submissions does not count toward it. Last evaluated 2018-06-26.

Conditions:
CDC42BPB-related disorder.

Allele frequency attached by ClinVar (database versions not stated): gnomAD 0.00707 and 0.00763; 1000 Genomes Project 0.00759; TOPMed 0.00793; 1000 Genomes Project 30x 0.00921; gnomAD exomes 0.00076 and 0.00194; ExAC 0.00230; ESP Exome Variant Server 0.00984.
gnomAD v4.1: 2,204 of 1,613,312 alleles (0.14%); highest among the groups gnomAD compares: African/African-American, 2.7%; 26 homozygotes.

Submissions (3):

Labcorp Genetics (formerly Invitae), Labcorp
Classification: Benign. Last evaluated: 2018-06-26. Review status: criteria provided, single submitter. Criteria: Invitae Variant Classification Sherloc (09022015). Collection method: clinical testing. Allele origin: germline.

Breakthrough Genomics
Classification: Benign. Review status: criteria provided, single submitter. Criteria: ACMG Guidelines, 2015. Collection method: not provided. Allele origin: germline. Inheritance: Autosomal dominant inheritance. Affected: yes.

PreventionGenetics, part of Exact Sciences
Classification: Benign for CDC42BPB-related condition. Last evaluated: 2022-03-16. Review status: no assertion criteria provided. Collection method: clinical testing. Allele origin: germline. Not counted in ClinVar's aggregate classification.
Comment: This variant is classified as benign based on ACMG/AMP sequence variant interpretation guidelines (Richards et al. 2015 PMID: 25741868, with internal and published modifications).